The following is an entry in ClinVar:

ClinVar aggregate classification (germline): Uncertain significance (1 of 4 stars; one submission).

Conditions:
Familial adenomatous polyposis 2. Also called: FAP type 2; COLORECTAL ADENOMATOUS POLYPOSIS, AUTOSOMAL RECESSIVE; ADENOMAS, MULTIPLE COLORECTAL, AUTOSOMAL RECESSIVE; MYH-associated polyposis; MUTYH Polyposis; Adenomas, multiple colorectal. Identifiers: Orphanet 220460, Orphanet 247798, MedGen C3272841, MONDO:0012041, OMIM 608456.

gnomAD v4.1: 1 of 1,614,118 alleles (0.000062%); highest among the groups gnomAD compares: Non-Finnish European, 0.000085%; no homozygotes.

Submission:

Labcorp Genetics (formerly Invitae), Labcorp
Classification: Uncertain significance for Familial adenomatous polyposis 2. Last evaluated: 2025-05-27. Review status: criteria provided, single submitter. Criteria: Invitae Variant Classification Sherloc (09022015). Collection method: clinical testing. Allele origin: germline.
Comment: This sequence change replaces alanine, which is neutral and non-polar, with serine, which is neutral and polar, at codon 287 of the MUTYH protein (p.Ala287Ser). This variant is not present in population databases (gnomAD no frequency). This variant has not been reported in the literature in individuals affected with MUTYH-related conditions. An algorithm developed to predict the effect of missense changes on protein structure and function (PolyPhen-2) suggests that this variant is likely to be disruptive. In summary, the available evidence is currently insufficient to determine the role of this variant in disease. Therefore, it has been classified as a Variant of Uncertain Significance.

NM_001048174.2(MUTYH):c.775G>T (p.Ala259Ser)

Gene: MUTYH (mutY DNA glycosylase; minus strand). Cytogenetic location: 1p34.1.
Variant type: single nucleotide variant.
Coding change: c.775G>T on transcript NM_001048174.2 (MANE Select); coding-DNA position 775, G replaced by T.
Protein change: p.Ala259Ser; replaces alanine 259 with serine.
Molecular consequence: missense variant. On other transcripts: non-coding transcript variant (7).
Genome position (GRCh38, 1-based): chr1:45,332,240, C>A on the plus strand (G>T on the coding strand, the complement: MUTYH is on the minus strand). VCF-style: chr1-45332240-C-A. GRCh37 (hg19) VCF-style: chr1-45797912-C-A.
Other names: c.775G>T, p.Ala259Ser (NM_001407072.1, NM_001407073.1, NM_001407081.1 and 6 more transcripts); c.691G>T, p.Ala231Ser (NM_001407075.1); c.808G>T, p.Ala270Ser (NM_001407077.1, NM_001293191.2, NM_001407069.1); c.778G>T, p.Ala260Ser (NM_001407078.1, NM_001048172.2, NM_001407071.1 and 1 more transcripts); c.736G>T, p.Ala246Ser (NM_001407079.1); c.733G>T, p.Ala245Ser (NM_001407080.1); c.430G>T, p.Ala144Ser (NM_001407082.1, NM_001350650.2, NM_001350651.2); c.817G>T, p.Ala273Ser (NM_001407083.1, NM_001407085.1); and 5 more; short protein forms A231S, A273S, A245S, A259S, A270S, A274S, A287S, A144S.
Identifiers: ClinVar variation 4719544 (VCV004719544.1).
Genomic context (GRCh38, chr1:45,332,240, plus strand): 5'-GGCACAGGCTCTCCACAGGGCACTGGCTGCACAGTGGGCGCTGTGGGGTACACACTGTGG[C>A]CCCTAGCTCCATGGCTGCTTGGTTGAAATCTCCTGGCCGGGCTGGGTCCACCAGCTGCTG-3'
Protein context (NP_001041639.1, residues 249-269): DFNQAAMELG[Ala259Ser]TVCTPQRPLC